The following is an entry in ClinVar:

NM_177987.3(TUBB8):c.954G>A (p.Arg318=)

Gene: TUBB8 (tubulin beta 8 class VIII; minus strand). Cytogenetic location: 10p15.3.
Variant type: single nucleotide variant.
Coding change: c.954G>A on transcript NM_177987.3 (MANE Select); coding-DNA position 954, G replaced by A.
Protein change: p.Arg318=; no amino-acid change (arginine 318 retained).
Molecular consequence: synonymous variant.
Genome position (GRCh38, 1-based): chr10:47,438, C>T on the plus strand (G>A on the coding strand, the complement: TUBB8 is on the minus strand). VCF-style: chr10-47438-C-T. GRCh37 (hg19) VCF-style: chr10-93378-C-T.
Other names: c.738G>A, p.Arg246= (NM_001389618.1, NM_001389619.1).
Identifiers: ClinVar variation 3388656 (VCV003388656.14).

ClinVar aggregate classification (germline): Uncertain significance (1 of 4 stars; one submission).

Submission:

CeGaT Center for Human Genetics Tuebingen
Classification: Uncertain significance. Last evaluated: 2024-09-01. Review status: criteria provided, single submitter. Criteria: CeGaT Center For Human Genetics Tuebingen Variant Classification Criteria Version 2. Collection method: clinical testing. Allele origin: germline. Affected: yes. Observed: 1 variant allele.
Comment: TUBB8: PM2:Supporting, BP4